The following is an entry in ClinVar:

ClinVar aggregate classification (germline): Pathogenic/Likely pathogenic. Review status: criteria provided, multiple submitters, no conflicts (2 of 4 stars). 2 submissions from 2 submitters: Pathogenic (1); Likely pathogenic (1). Last evaluated 2025-02-12.

Conditions:
Severe early-childhood-onset retinal dystrophy (STGD1). Also called: Stargardt macular dystrophy; Juvenile onset macular degeneration; Stargardt disease 1; MACULAR DYSTROPHY WITH FLECKS, TYPE 1; STGD. Identifiers: Orphanet 364055, Orphanet 827, MedGen C1855465, MeSH D000080362, MONDO:0009549, OMIM 248200.

Allele frequency attached by ClinVar (database versions not stated): gnomAD exomes below 0.00001.
gnomAD v4.1: 1 of 1,613,982 alleles (0.000062%); highest among the groups gnomAD compares: Admixed American, 0.0017%; no homozygotes.

Submissions (2):

3billion
Classification: Likely pathogenic for Severe early-childhood-onset retinal dystrophy. Last evaluated: 2025-02-12. Review status: criteria provided, single submitter. Criteria: ACMG Guidelines, 2015. Collection method: clinical testing. Allele origin: germline. Affected: yes.
Comment: The variant is observed at an extremely low frequency in the gnomAD v4.1.0 dataset (total allele frequency: <0.001%). Predicted Consequence/Location: Missense variant In silico tool predictions suggest damaging effect of the variant on gene or gene product [3Cnet: 0.71 (>=0.6, sensitivity 0.72 and precision 0.9)]. The same nucleotide change resulting in the same amino acid change has been previously reported to be associated with ABCA4-related disorder (ClinVar ID: VCV002151888 /PMID: 29975949). Different missense changes at the same codon (p.Ser795Arg, p.Ser795Ile) have been reported as pathogenic/likely pathogenic with strong evidence (ClinVar ID: VCV000973687 /PMID: 33301772). Therefore, this variant is classified as Likely pathogenic according to the recommendation of ACMG/AMP guideline.

Labcorp Genetics (formerly Invitae), Labcorp
Classification: Pathogenic. Last evaluated: 2022-07-20. Review status: criteria provided, single submitter. Criteria: Invitae Variant Classification Sherloc (09022015). Collection method: clinical testing. Allele origin: germline.
Comment: For these reasons, this variant has been classified as Pathogenic. This variant disrupts the p.Ser795 amino acid residue in ABCA4. Other variant(s) that disrupt this residue have been determined to be pathogenic (PMID: 17296903, 33301772). This suggests that this residue is clinically significant, and that variants that disrupt this residue are likely to be disease-causing. Algorithms developed to predict the effect of missense changes on protein structure and function (SIFT, PolyPhen-2, Align-GVGD) all suggest that this variant is likely to be disruptive. This missense change has been observed in individual(s) with Stargardt disease (PMID: 29975949; Invitae). This variant is present in population databases (no rsID available, gnomAD 0.003%). This sequence change replaces serine, which is neutral and polar, with asparagine, which is neutral and polar, at codon 795 of the ABCA4 protein (p.Ser795Asn).

Literature cited by the submitters: PubMed 29975949 (cited by 3billion and Labcorp Genetics (formerly Invitae), Labcorp); PubMed 33301772 (cited by 3billion and Labcorp Genetics (formerly Invitae), Labcorp); PubMed 17296903 (cited by Labcorp Genetics (formerly Invitae), Labcorp).

NM_000350.3(ABCA4):c.2384G>A (p.Ser795Asn)

Gene: ABCA4 (ATP binding cassette subfamily A member 4; minus strand). Cytogenetic location: 1p22.1.
Variant type: single nucleotide variant.
Coding change: c.2384G>A on transcript NM_000350.3 (MANE Select); coding-DNA position 2384, G replaced by A.
Protein change: p.Ser795Asn; replaces serine 795 with asparagine.
Molecular consequence: missense variant.
Genome position (GRCh38, 1-based): chr1:94,055,314, C>T on the plus strand (G>A on the coding strand, the complement: ABCA4 is on the minus strand). VCF-style: chr1-94055314-C-T. GRCh37 (hg19) VCF-style: chr1-94520870-C-T.
Other names: c.2162G>A, p.Ser721Asn (NM_001425324.1); short protein forms S795N, S721N.
Identifiers: ClinVar variation 2151888 (VCV002151888.5), dbSNP rs1420128252, ClinGen allele CA341277202.